The following is an entry in ClinVar:

NM_178452.6(DNAAF1):c.919C>G (p.Gln307Glu)

Gene: DNAAF1 (dynein axonemal assembly factor 1; plus strand). Cytogenetic location: 16q24.1.
Variant type: single nucleotide variant.
Coding change: c.919C>G on transcript NM_178452.6 (MANE Select); coding-DNA position 919, C replaced by G.
Protein change: p.Gln307Glu; replaces glutamine 307 with glutamic acid.
Molecular consequence: missense variant.
Genome position (GRCh38, 1-based): chr16:84,165,838, C>G. VCF-style: chr16-84165838-C-G. GRCh37 (hg19) VCF-style: chr16-84199444-C-G.
Other names: c.163C>G, p.Gln55Glu (NM_001318756.1); short protein forms Q307E, Q55E.
Identifiers: ClinVar variation 163083 (VCV000163083.60), dbSNP rs111472069, ClinGen allele CA175679.

ClinVar aggregate classification (germline): Benign/Likely benign. Review status: criteria provided, multiple submitters, no conflicts (2 of 4 stars). 12 submissions from 12 submitters: Benign (11); Likely benign (1). Last evaluated 2026-10-01.

Conditions:
Primary ciliary dyskinesia. Also called: Ciliary dyskinesia. Identifiers: Orphanet 244, MedGen C0008780, MONDO:0016575, HP:0012265.
Primary ciliary dyskinesia 13. Also called: CILIARY DYSKINESIA, PRIMARY, 13, WITH OR WITHOUT SITUS INVERSUS. Identifiers: Orphanet 244, MedGen C2750790, MONDO:0013174, OMIM 613193.

Allele frequency attached by ClinVar (database versions not stated): ExAC 0.02019; 1000 Genomes Project 30x 0.02046; gnomAD exomes 0.02050 and 0.02283; 1000 Genomes Project 0.02177; TOPMed 0.02611; ESP Exome Variant Server 0.02885; gnomAD 0.03033 and 0.03191.
gnomAD v4.1: 37,781 of 1,613,316 alleles (2.3%); highest among the groups gnomAD compares: African/African-American, 4.7%; 599 homozygotes.

Submissions (12):

CeGaT Center for Human Genetics Tuebingen
Classification: Benign. Last evaluated: 2026-10-01. Review status: criteria provided, single submitter. Criteria: CeGaT Center For Human Genetics Tuebingen Variant Classification Criteria Version 2. Collection method: clinical testing. Allele origin: germline. Affected: yes. Observed: 35 variant alleles.
Comment: DNAAF1: BP4, BS1, BS2

Labcorp Genetics (formerly Invitae), Labcorp
Classification: Benign for Primary ciliary dyskinesia. Last evaluated: 2026-02-01. Review status: criteria provided, single submitter. Criteria: Invitae Variant Classification Sherloc (09022015). Collection method: clinical testing. Allele origin: germline.

ARUP Laboratories, Molecular Genetics and Genomics, ARUP Laboratories
Classification: Benign for Primary ciliary dyskinesia 13. Last evaluated: 2025-01-22. Review status: criteria provided, single submitter. Criteria: ARUP Molecular Germline Variant Investigation Process 2024. Collection method: clinical testing. Allele origin: germline.

Blueprint Genetics
Classification: Likely benign. Last evaluated: 2024-11-26. Review status: criteria provided, single submitter. Criteria: ACMG Guidelines, 2015. Collection method: clinical testing. Allele origin: germline.

Mayo Clinic Laboratories, Mayo Clinic
Classification: Benign. Last evaluated: 2023-08-16. Review status: criteria provided, single submitter. Criteria: ACMG Guidelines, 2015. Collection method: clinical testing. Allele origin: germline. Observed: 6 variant alleles.
Comment: BA1

GeneDx
Classification: Benign. Last evaluated: 2019-07-21. Review status: criteria provided, single submitter. Criteria: GeneDx Variant Classification Process June 2021. Collection method: clinical testing. Allele origin: germline. Affected: yes.
Comment: This variant is associated with the following publications: (PMID: 23599692)

Illumina Laboratory Services, Illumina
Classification: Benign for Primary ciliary dyskinesia 13. Last evaluated: 2018-01-13. Review status: criteria provided, single submitter. Criteria: ICSL Variant Classification Criteria 13 December 2019. Collection method: clinical testing. Allele origin: germline.
Comment: This variant was observed in the ICSL laboratory as part of a predisposition screen in an ostensibly healthy population. It had not been previously curated by ICSL or reported in the Human Gene Mutation Database (HGMD: prior to June 1st, 2018), and was therefore a candidate for classification through an automated scoring system. Utilizing variant allele frequency, disease prevalence and penetrance estimates, and inheritance mode, an automated score was calculated to assess if this variant is too frequent to cause the disease. Based on the score and internal cut-off values, a variant classified as benign is not then subjected to further curation. The score for this variant resulted in a classification of benign for this disease.

Eurofins Ntd Llc (ga)
Classification: Benign. Last evaluated: 2016-02-11. Review status: criteria provided, single submitter. Criteria: EGL Classification Definitions 2015. Collection method: clinical testing. Allele origin: germline. Observed: 1 variant allele, 1 heterozygote.

Ambry Genetics
Classification: Benign for Primary ciliary dyskinesia. Last evaluated: 2014-07-09. Review status: criteria provided, single submitter. Criteria: Ambry Variant Classification Scheme 2023. Collection method: clinical testing. Allele origin: germline.

Laboratory for Molecular Medicine, Mass General Brigham Personalized Medicine
Classification: Benign. Last evaluated: 2013-02-21. Review status: criteria provided, single submitter. Criteria: LMM Criteria. Collection method: clinical testing. Allele origin: germline. Observed: 6 variant alleles.
Comment: Gln307Glu in exon 7 of DNAAF1: This variant is not expected to have clinical sig nificance because it has been identified in 3.9% (172/4400) of African American chromosomes from a broad population by the NHLBI Exome Sequencing Project (dbSNP rs111472069).

Breakthrough Genomics
Classification: Benign. Review status: criteria provided, single submitter. Criteria: ACMG Guidelines, 2015. Collection method: not provided. Allele origin: germline. Inheritance: Autosomal recessive inheritance. Affected: yes.

PreventionGenetics, part of Exact Sciences
Classification: Benign. Review status: criteria provided, single submitter. Criteria: ACMG Guidelines, 2015. Collection method: clinical testing. Allele origin: germline.